The following is an entry in ClinVar:

NM_024675.4(PALB2):c.3263del (p.Pro1088fs)

Gene: PALB2 (partner and localizer of BRCA2; minus strand). Cytogenetic location: 16p12.2.
Variant type: Deletion.
Coding change: c.3263del on transcript NM_024675.4 (MANE Select); coding-DNA position 3263, one base deleted (C; older notation c.3263delC).
Protein change: p.Pro1088fs; shifts the reading frame from proline 1088.
Molecular consequence: frameshift variant.
Genome position (GRCh38, 1-based): chr16:23,607,951, G deleted on the plus strand (C on the coding strand, the reverse complement: PALB2 is on the minus strand); the first of 3 consecutive G bases (chr16:23,607,951-23,607,953); deleting any one gives the same sequence. VCF-style (leftmost placement, unchanged base first): chr16-23607950-AG-A. GRCh37 (hg19) VCF-style: chr16-23619271-AG-A.
Other names: short protein forms P1088fs.
Identifiers: ClinVar variation 951698 (VCV000951698.25), dbSNP rs1966509881, ClinGen allele CA1139664611.

ClinVar aggregate classification (germline): Pathogenic. Review status: criteria provided, single submitter (1 of 4 stars). 2 submissions from 2 submitters: Pathogenic (1). 1 of the submissions does not count toward it. Last evaluated 2019-06-14.

Conditions:
Gastric cancer. Also called: Stomach cancer; Malignant tumor of stomach. Identifiers: MedGen C0024623, MeSH D013274, MONDO:0001056, OMIM 613659, HP:0012126.
Familial cancer of breast. Also called: BREAST CANCER, FAMILIAL; Hereditary breast cancer; hereditary breast carcinoma. Identifiers: Orphanet 227535, MedGen C0346153, MONDO:0016419, OMIM 114480. Disease mechanism: loss of function.

Submissions (2):

Labcorp Genetics (formerly Invitae), Labcorp
Classification: Pathogenic for Familial cancer of breast. Last evaluated: 2019-06-14. Review status: criteria provided, single submitter. Criteria: Invitae Variant Classification Sherloc (09022015). Collection method: clinical testing. Allele origin: germline.
Comment: This variant has not been reported in the literature in individuals with PALB2-related conditions. This variant is not present in population databases (ExAC no frequency). This sequence change creates a premature translational stop signal (p.Pro1088Leufs*7) in the PALB2 gene. It is expected to result in an absent or disrupted protein product. Loss-of-function variants in PALB2 are known to be pathogenic (PMID: 17200668, 24136930, 25099575). For these reasons, this variant has been classified as Pathogenic.

Laboratory for Genotyping Development, RIKEN
Classification: Pathogenic for Gastric cancer. Last evaluated: 2021-07-01. Review status: no assertion criteria provided. Collection method: research. Allele origin: germline. Not counted in ClinVar's aggregate classification.

Literature cited by the submitters: PubMed 17200668 (cited by Labcorp Genetics (formerly Invitae), Labcorp); PubMed 24136930 (cited by Labcorp Genetics (formerly Invitae), Labcorp); PubMed 25099575 (cited by Labcorp Genetics (formerly Invitae), Labcorp); PubMed 36988593 (cited by Laboratory for Genotyping Development, RIKEN).